The following is an entry in ClinVar:

NM_015656.2(KIF26A):c.1357G>A (p.Val453Met)

Gene: KIF26A (kinesin family member 26A; plus strand). Cytogenetic location: 14q32.33.
Variant type: single nucleotide variant.
Coding change: c.1357G>A on transcript NM_015656.2 (MANE Select); coding-DNA position 1357, G replaced by A.
Protein change: p.Val453Met; replaces valine 453 with methionine.
Molecular consequence: missense variant.
Genome position (GRCh38, 1-based): chr14:104,172,605, G>A. VCF-style: chr14-104172605-G-A. GRCh37 (hg19) VCF-style: chr14-104638942-G-A.
Other names: short protein forms V453M.
Identifiers: ClinVar variation 4979863 (VCV004979863.1).

ClinVar aggregate classification (germline): Uncertain significance (1 of 4 stars; one submission).

Conditions:
KIF26A-related condition.

gnomAD v4.1: 32 of 1,613,200 alleles (0.002%); highest among the groups gnomAD compares: African/African-American, 0.0093%; no homozygotes.

Submission:

PreventionGenetics, part of Exact Sciences
Classification: Uncertain significance for KIF26A-related condition. Last evaluated: 2026-01-20. Review status: criteria provided, single submitter. Criteria: ACMG Guidelines, 2015. Collection method: clinical testing. Allele origin: germline.
Comment: The KIF26A c.1357G>A variant is predicted to result in the amino acid substitution p.Val453Met. To our knowledge, this variant has not been reported in the literature. This variant is reported in 0.019% of alleles in individuals of Ashkenazi Jewish descent in gnomAD. At this time, the clinical significance of this variant is uncertain due to the absence of conclusive functional and genetic evidence.